The following is an entry in ClinVar:

ClinVar aggregate classification (germline): Likely benign (0 of 4 stars; one submission).

Conditions:
PIWIL1-related disorder. Also called: PIWIL1-related condition.

Allele frequency attached by ClinVar (database versions not stated): gnomAD 0.00032; ESP Exome Variant Server 0.00046; TOPMed 0.00051.
gnomAD v4.1: 737 of 1,613,520 alleles (0.046%); highest among the groups gnomAD compares: Non-Finnish European, 0.053%; no homozygotes.

Submission:

PreventionGenetics, part of Exact Sciences
Classification: Likely benign for PIWIL1-related condition. Last evaluated: 2019-08-07. Review status: no assertion criteria provided. Collection method: clinical testing. Allele origin: germline.
Comment: This variant is classified as likely benign based on ACMG/AMP sequence variant interpretation guidelines (Richards et al. 2015 PMID: 25741868, with internal and published modifications).

NM_004764.5(PIWIL1):c.294C>T (p.Asp98=)

Gene: PIWIL1 (piwi like RNA-mediated gene silencing 1; plus strand). Cytogenetic location: 12q24.33.
Variant type: single nucleotide variant.
Coding change: c.294C>T on transcript NM_004764.5 (MANE Select); coding-DNA position 294, C replaced by T.
Protein change: p.Asp98=; no amino-acid change (aspartic acid 98 retained).
Molecular consequence: synonymous variant.
Genome position (GRCh38, 1-based): chr12:130,345,856, C>T. VCF-style: chr12-130345856-C-T. GRCh37 (hg19) VCF-style: chr12-130830401-C-T.
Other names: c.294C>T, p.Asp98= (NM_001190971.2).
Identifiers: ClinVar variation 3039186 (VCV003039186.2), dbSNP rs143665312, ClinGen allele CA6876938.